The following is an entry in ClinVar:

ClinVar aggregate classification (germline): Likely pathogenic. Review status: criteria provided, multiple submitters, no conflicts (2 of 4 stars). 2 submissions from 2 submitters: Likely pathogenic (2). Last evaluated 2024-07-10.

Conditions:
Cardiovascular phenotype. Identifiers: MedGen CN230736.
Dilated cardiomyopathy 1G (CMD1G). Identifiers: Orphanet 154, MedGen C1858763, MONDO:0011400, OMIM 604145.
Autosomal recessive limb-girdle muscular dystrophy type 2J (LGMDR10). Also called: Limb-girdle muscular dystrophy, type 2J; MUSCULAR DYSTROPHY, LIMB-GIRDLE, AUTOSOMAL RECESSIVE 10. Identifiers: Orphanet 140922, MedGen C1837342, MONDO:0012127, OMIM 608807.

Submissions (2):

Ambry Genetics
Classification: Likely pathogenic for Cardiovascular phenotype. Last evaluated: 2024-07-10. Review status: criteria provided, single submitter. Criteria: Ambry Variant Classification Scheme 2023. Collection method: clinical testing. Allele origin: germline.
Comment: The c.60256delA variant, located in coding exon 155 of the TTN gene, results from a deletion of one nucleotide at nucleotide position 60256, causing a translational frameshift with a predicted alternate stop codon (p.T20086Lfs*5). This exon is located in the A-band region of the N2-B isoform of the titin protein and is constitutively expressed in TTN transcripts (percent spliced in or PSI 100%). This alteration is expected to result in loss of function by premature protein truncation or nonsense-mediated mRNA decay. While truncating variants in TTN are present in 1-3% of the general population, truncating variants in the A-band are the most common cause of dilated cardiomyopathy (DCM) (Herman DS et al. N. Engl. J. Med., 2012 Feb;366:619-28; Roberts AM et al. Sci Transl Med, 2015 Jan;7:270ra6). TTN truncating variants encoded in constitutive exons (PSI >90%) have been found to be significantly associated with DCM regardless of their position in titin (Schafer S et al. Nat. Genet., 2017 01;49:46-53). This variant is considered to be rare based on population cohorts in the Genome Aggregation Database (gnomAD). Based on the majority of available evidence to date, this variant is likely to be pathogenic.

Labcorp Genetics (formerly Invitae), Labcorp
Classification: Likely pathogenic for Dilated cardiomyopathy 1G; Autosomal recessive limb-girdle muscular dystrophy type 2J. Last evaluated: 2020-07-26. Review status: criteria provided, single submitter. Criteria: Invitae Variant Classification Sherloc (09022015). Collection method: clinical testing. Allele origin: germline.
Comment: This sequence change results in a premature translational stop signal in the TTN gene (p.Thr29151Leufs*5). While this is not anticipated to result in nonsense mediated decay, it is expected to create a truncated TTN protein. This variant is not present in population databases (ExAC no frequency). This variant has not been reported in the literature in individuals with TTN-related conditions. This variant is located in the A band of TTN (PMID: 25589632). Truncating variants in this region are significantly overrepresented in patients affected with dilated cardiomyopathy (PMID: 25589632). Truncating variants in this region have also been reported in individuals affected with autosomal recessive centronuclear myopathy (PMID: 23975875). In summary, the currently available evidence indicates that the variant is pathogenic, but additional data are needed to prove that conclusively. Therefore, this variant has been classified as Likely Pathogenic.

Literature cited by the submitters: PubMed 25589632 (cited by Labcorp Genetics (formerly Invitae), Labcorp); PubMed 23975875 (cited by Labcorp Genetics (formerly Invitae), Labcorp).

NM_001267550.2(TTN):c.87451del (p.Thr29151fs)

Genes: TTN (titin; minus strand), TTN-AS1 (TTN antisense RNA 1; plus strand). Cytogenetic location: 2q31.2.
Variant type: Deletion.
Coding change: c.87451del on transcript NM_001267550.2 (MANE Select); coding-DNA position 87451, one base deleted (A; older notation c.87451delA).
Protein change: p.Thr29151fs; shifts the reading frame from threonine 29151.
Molecular consequence: frameshift variant.
Genome position (GRCh38, 1-based): chr2:178,557,903, T deleted on the plus strand (A on the coding strand, the reverse complement: TTN is on the minus strand); the first of 2 consecutive T bases (chr2:178,557,903-178,557,904); deleting either gives the same sequence. VCF-style (leftmost placement, unchanged base first): chr2-178557902-GT-G. GRCh37 (hg19) VCF-style: chr2-179422629-GT-G.
Other names: c.60256delA (NM_003319.4); c.82528del, p.Thr27510fs (NM_001256850.1); c.60256del, p.Thr20086fs (NM_003319.4); c.79747del, p.Thr26583fs (NM_133378.4); c.60631del, p.Thr20211fs (NM_133432.3); c.60832del, p.Thr20278fs (NM_133437.4); short protein forms T20086fs, T20211fs, T20278fs, T26583fs, T27510fs, T29151fs.
Identifiers: ClinVar variation 1066161 (VCV001066161.10), dbSNP rs2154156000, ClinGen allele CA2499215332.
Genomic context (GRCh38, chr2:178,557,902, plus strand): 5'-GTAACTTGACTTCCACCGTCATACTTAGGTGGCTCCCATTTGAGAGTCACACTTTCTTCA[GT>G]TATATCACTAATAACAACAGGGCCAGTTGGAGGACCAGGCCTGTCTAGCACAACAATGTT-3'